The following is an entry in ClinVar:

ClinVar aggregate classification (germline): Conflicting classifications of pathogenicity. Review status: criteria provided, conflicting classifications (1 of 4 stars). 2 submissions from 2 submitters: Uncertain significance (1); Likely benign (1). Last evaluated 2025-09-22.

Conditions:
Inborn genetic diseases. Identifiers: MedGen C0950123, MeSH D030342.

Allele frequency attached by ClinVar (database versions not stated): gnomAD 0.00002; TOPMed 0.00002; gnomAD exomes 0.00003.
gnomAD v4.1: 41 of 1,613,898 alleles (0.0025%); highest among the groups gnomAD compares: Admixed American, 0.0033%; no homozygotes.

Submissions (2):

Labcorp Genetics (formerly Invitae), Labcorp
Classification: Uncertain significance. Last evaluated: 2025-09-22. Review status: criteria provided, single submitter. Criteria: Invitae Variant Classification Sherloc (09022015). Collection method: clinical testing. Allele origin: germline.
Comment: This sequence change replaces serine, which is neutral and polar, with asparagine, which is neutral and polar, at codon 664 of the RIPK1 protein (p.Ser664Asn). This variant is present in population databases (rs758993966, gnomAD 0.0009%). This variant has not been reported in the literature in individuals affected with RIPK1-related conditions. ClinVar contains an entry for this variant (Variation ID: 1908166). An algorithm developed to predict the effect of missense changes on protein structure and function outputs the following: PolyPhen-2: "Benign". The asparagine amino acid residue is found in multiple mammalian species, which suggests that this missense change does not adversely affect protein function. In summary, the available evidence is currently insufficient to determine the role of this variant in disease. Therefore, it has been classified as a Variant of Uncertain Significance.

Ambry Genetics
Classification: Likely benign for Inborn genetic diseases. Last evaluated: 2024-01-31. Review status: criteria provided, single submitter. Criteria: Ambry Variant Classification Scheme 2023. Collection method: clinical testing. Allele origin: germline.

NM_001354930.2(RIPK1):c.1991G>A (p.Ser664Asn)

Gene: RIPK1 (receptor interacting serine/threonine kinase 1; plus strand). Cytogenetic location: 6p25.2.
Variant type: single nucleotide variant.
Coding change: c.1991G>A on transcript NM_001354930.2 (MANE Select); coding-DNA position 1991, G replaced by A.
Protein change: p.Ser664Asn; replaces serine 664 with asparagine.
Molecular consequence: missense variant.
Genome position (GRCh38, 1-based): chr6:3,113,314, G>A. VCF-style: chr6-3113314-G-A. GRCh37 (hg19) VCF-style: chr6-3113548-G-A.
Other names: c.1502G>A, p.Ser501Asn (NM_001317061.3, NM_001354932.2, NM_001354933.2 and 1 more transcripts); c.1853G>A, p.Ser618Asn (NM_001354931.2); c.1991G>A, p.Ser664Asn (NM_003804.6); c.1991G>A (NM_003804.3); short protein forms S664N, S501N, S618N.
Identifiers: ClinVar variation 1908166 (VCV001908166.6), dbSNP rs758993966, ClinGen allele CA133458054.